The following is an entry in ClinVar:

ClinVar aggregate classification (germline): Uncertain significance. Review status: criteria provided, multiple submitters, no conflicts (2 of 4 stars). 3 submissions from 3 submitters: Uncertain significance (3). Last evaluated 2025-11-24.

Conditions:
Inborn genetic diseases. Identifiers: MedGen C0950123, MeSH D030342.
Glycogen storage disease type III (GSD3). Also called: Cori disease; FORBES DISEASE. Identifiers: Orphanet 366, MedGen C0017922, MONDO:0009291, OMIM 232400.

Allele frequency attached by ClinVar (database versions not stated): gnomAD exomes below 0.00001 and 0.00001; ExAC 0.00001; ESP Exome Variant Server 0.00008.
gnomAD v4.1: 9 of 1,599,200 alleles (0.00056%); highest among the groups gnomAD compares: East Asian, 0.0045%; no homozygotes.

Submissions (3):

Ambry Genetics
Classification: Uncertain significance for Inborn genetic diseases. Last evaluated: 2025-11-24. Review status: criteria provided, single submitter. Criteria: Ambry Variant Classification Scheme 2023. Collection method: clinical testing. Allele origin: germline.

Blueprint Genetics
Classification: Uncertain significance. Last evaluated: 2023-12-05. Review status: criteria provided, single submitter. Criteria: ACMG Guidelines, 2015. Collection method: clinical testing. Allele origin: germline.

Labcorp Genetics (formerly Invitae), Labcorp
Classification: Uncertain significance for Glycogen storage disease type III. Last evaluated: 2021-10-23. Review status: criteria provided, single submitter. Criteria: Invitae Variant Classification Sherloc (09022015). Collection method: clinical testing. Allele origin: germline.
Comment: This sequence change replaces threonine with methionine at codon 334 of the AGL protein (p.Thr334Met). The threonine residue is weakly conserved and there is a moderate physicochemical difference between threonine and methionine. This variant is present in population databases (rs140348042, ExAC 0.002%). This variant has not been reported in the literature in individuals with AGL-related conditions. Algorithms developed to predict the effect of missense changes on protein structure and function (SIFT, PolyPhen-2, Align-GVGD) all suggest that this variant is likely to be tolerated, but these predictions have not been confirmed by published functional studies and their clinical significance is uncertain. In summary, the available evidence is currently insufficient to determine the role of this variant in disease. Therefore, it has been classified as a Variant of Uncertain Significance.

NM_000642.3(AGL):c.1001C>T (p.Thr334Met)

Gene: AGL (amylo-alpha-1,6-glucosidase and 4-alpha-glucanotransferase; plus strand). Cytogenetic location: 1p21.2.
Variant type: single nucleotide variant.
Coding change: c.1001C>T on transcript NM_000642.3 (MANE Select); coding-DNA position 1001, C replaced by T.
Protein change: p.Thr334Met; replaces threonine 334 with methionine.
Molecular consequence: missense variant.
Genome position (GRCh38, 1-based): chr1:99,874,729, C>T. VCF-style: chr1-99874729-C-T. GRCh37 (hg19) VCF-style: chr1-100340285-C-T.
Other names: c.1001C>T (NM_000642.2); c.1001C>T, p.Thr334Met (NM_000028.3, NM_000643.3, NM_000644.3 and 3 more transcripts); c.953C>T, p.Thr318Met (NM_000646.3); c.797C>T, p.Thr266Met (NM_001425328.1, NM_001425329.1); c.623C>T, p.Thr208Met (NM_001425332.1); short protein forms T318M, T334M, T208M, T266M.
Identifiers: ClinVar variation 1493836 (VCV001493836.5), dbSNP rs140348042, ClinGen allele CA966351.